The following is an entry in ClinVar:

NM_001182.5(ALDH7A1):c.*5G>A

Gene: ALDH7A1 (aldehyde dehydrogenase 7 family member A1; minus strand). Cytogenetic location: 5q23.2.
Variant type: single nucleotide variant.
Coding change: c.*5G>A on transcript NM_001182.5 (MANE Select); 5 bases downstream of the stop codon, G replaced by A.
Molecular consequence: 3 prime UTR variant.
Genome position (GRCh38, 1-based): chr5:126,544,960, C>T on the plus strand (G>A on the coding strand, the complement: ALDH7A1 is on the minus strand). VCF-style: chr5-126544960-C-T. GRCh37 (hg19) VCF-style: chr5-125880652-C-T.
Other names: c.*5G>A (NM_001201377.2, NM_001202404.2).
Identifiers: ClinVar variation 204823 (VCV000204823.6), dbSNP rs759591318, ClinGen allele CA313155.

ClinVar aggregate classification (germline): Conflicting classifications of pathogenicity. Review status: criteria provided, conflicting classifications (1 of 4 stars). 2 submissions from 2 submitters: Uncertain significance (1); Likely benign (1). Last evaluated 2018-01-12.

Conditions:
Pyridoxine-dependent epilepsy (EPEO4). Also called: Pyridoxine-Dependent Seizures; Pyridoxine-Dependent Epilepsy - ALDH7A1; PYRIDOXINE DEPENDENCY WITH SEIZURES; EPILEPSY, EARLY-ONSET, 4, VITAMIN B6-DEPENDENT. Identifiers: Orphanet 3006, MedGen C1849508, MONDO:0009945, OMIM 266100. Disease mechanism: loss of function.

Allele frequency attached by ClinVar (database versions not stated): TOPMed 0.00004; ExAC 0.00001; gnomAD exomes 0.00002 and 0.00001; gnomAD 0.00004 and 0.00003.
gnomAD v4.1: 35 of 1,605,222 alleles (0.0022%); highest among the groups gnomAD compares: Non-Finnish European, 0.0027%; no homozygotes.

Submissions (2):

Illumina Laboratory Services, Illumina
Classification: Uncertain significance for Pyridoxine-dependent epilepsy. Last evaluated: 2018-01-12. Review status: criteria provided, single submitter. Criteria: ICSL Variant Classification Criteria 13 December 2019. Collection method: clinical testing. Allele origin: germline.

GeneDx
Classification: Likely benign. Last evaluated: 2012-09-12. Review status: criteria provided, single submitter. Criteria: GeneDx Variant Classification (06012015). Collection method: clinical testing. Allele origin: germline. Affected: yes.
Comment: This variant is considered likely benign or benign based on one or more of the following criteria: it is a conservative change, it occurs at a poorly conserved position in the protein, it is predicted to be benign by multiple in silico algorithms, and/or has population frequency not consistent with disease.